The following is an entry in ClinVar:

ClinVar aggregate classification (germline): Uncertain significance (1 of 4 stars; one submission).

Conditions:
Spastic paraplegia. Identifiers: MedGen C0037772, HP:0001258.

gnomAD v4.1: 1 of 1,613,640 alleles (0.000062%); highest among the groups gnomAD compares: African/African-American, 0.0013%; no homozygotes.

Submission:

Labcorp Genetics (formerly Invitae), Labcorp
Classification: Uncertain significance for Spastic paraplegia. Last evaluated: 2025-10-01. Review status: criteria provided, single submitter. Criteria: Invitae Variant Classification Sherloc (09022015). Collection method: clinical testing. Allele origin: germline.
Comment: This sequence change replaces arginine, which is basic and polar, with leucine, which is neutral and non-polar, at codon 381 of the KIF5A protein (p.Arg381Leu). This variant is not present in population databases (gnomAD no frequency). This variant has not been reported in the literature in individuals affected with KIF5A-related conditions. ClinVar contains an entry for this variant (Variation ID: 1367818). Invitae Evidence Modeling of protein sequence and biophysical properties (such as structural, functional, and spatial information, amino acid conservation, physicochemical variation, residue mobility, and thermodynamic stability) indicates that this missense variant is not expected to disrupt KIF5A protein function with a negative predictive value of 95%. In summary, the available evidence is currently insufficient to determine the role of this variant in disease. Therefore, it has been classified as a Variant of Uncertain Significance.

NM_004984.4(KIF5A):c.1142G>T (p.Arg381Leu)

Gene: KIF5A (kinesin family member 5A; plus strand). Cytogenetic location: 12q13.3.
Variant type: single nucleotide variant.
Coding change: c.1142G>T on transcript NM_004984.4 (MANE Select); coding-DNA position 1142, G replaced by T.
Protein change: p.Arg381Leu; replaces arginine 381 with leucine.
Molecular consequence: missense variant.
Genome position (GRCh38, 1-based): chr12:57,570,011, G>T. VCF-style: chr12-57570011-G-T. GRCh37 (hg19) VCF-style: chr12-57963794-G-T.
Other names: c.875G>T, p.Arg292Leu (NM_001354705.2); short protein forms R292L, R381L.
Identifiers: ClinVar variation 1367818 (VCV001367818.6), dbSNP rs755855553, ClinGen allele CA385503655.